The following is an entry in ClinVar:

ClinVar aggregate classification (germline): Uncertain significance (1 of 4 stars; one submission).

Conditions:
Inborn genetic diseases. Identifiers: MedGen C0950123, MeSH D030342.

gnomAD v4.1: 1 of 1,608,366 alleles (0.000062%); highest among the groups gnomAD compares: East Asian, 0.0022%; no homozygotes.

Submission:

Ambry Genetics
Classification: Uncertain significance for Inborn genetic diseases. Last evaluated: 2024-03-23. Review status: criteria provided, single submitter. Criteria: Ambry Variant Classification Scheme 2023. Collection method: clinical testing. Allele origin: germline.
Comment: The c.2422-5T>C intronic alteration consists of a T to C substitution 5 nucleotides before coding exon 22 in the WDR19 gene. Based on insufficient or conflicting evidence, the clinical significance of this alteration remains unclear.

NM_025132.4(WDR19):c.2422-5T>C

Gene: WDR19 (WD repeat domain 19; plus strand). Cytogenetic location: 4p14.
Variant type: single nucleotide variant.
Coding change: c.2422-5T>C on transcript NM_025132.4 (MANE Select); 5 bases into the intron before coding-DNA position 2422, T replaced by C.
Molecular consequence: intron variant.
Genome position (GRCh38, 1-based): chr4:39,244,243, T>C. VCF-style: chr4-39244243-T-C. GRCh37 (hg19) VCF-style: chr4-39245863-T-C.
Other names: c.1942-5T>C (NM_001317924.2).
Identifiers: ClinVar variation 3332739 (VCV003332739.1).